The following is an entry in ClinVar:

ClinVar aggregate classification (germline): Uncertain significance (1 of 4 stars; one submission).

Conditions:
Autosomal dominant nocturnal frontal lobe epilepsy 5. Also called: KCNT1-Related Epilepsy; CILIARY DYSKINESIA, PRIMARY, 28, WITHOUT SITUS INVERSUS; CILIARY DYSKINESIA, PRIMARY, 28, WITH SITUS INVERSUS; Epilepsy, nocturnal frontal lobe, 5. Identifiers: Orphanet 98784, MedGen C3554306, MONDO:0014002, OMIM 615005.
Developmental and epileptic encephalopathy, 14 (DEE14). Also called: Early infantile epileptic encephalopathy 14. Identifiers: Orphanet 293181, MedGen C3554195, MONDO:0013989, OMIM 614959.

Submission:

Labcorp Genetics (formerly Invitae), Labcorp
Classification: Uncertain significance for Autosomal dominant nocturnal frontal lobe epilepsy 5; Developmental and epileptic encephalopathy, 14. Last evaluated: 2023-06-14. Review status: criteria provided, single submitter. Criteria: Invitae Variant Classification Sherloc (09022015). Collection method: clinical testing. Allele origin: germline.
Comment: This variant is not present in population databases (gnomAD no frequency). This sequence change replaces proline, which is neutral and non-polar, with leucine, which is neutral and non-polar, at codon 764 of the KCNT1 protein (p.Pro764Leu). In summary, the available evidence is currently insufficient to determine the role of this variant in disease. Therefore, it has been classified as a Variant of Uncertain Significance. Advanced modeling of protein sequence and biophysical properties (such as structural, functional, and spatial information, amino acid conservation, physicochemical variation, residue mobility, and thermodynamic stability) performed at Invitae indicates that this missense variant is not expected to disrupt KCNT1 protein function. ClinVar contains an entry for this variant (Variation ID: 937096). This variant has not been reported in the literature in individuals affected with KCNT1-related conditions.

NM_020822.3(KCNT1):c.2291C>T (p.Pro764Leu)

Gene: KCNT1 (potassium sodium-activated channel subfamily T member 1; plus strand). Cytogenetic location: 9q34.3.
Variant type: single nucleotide variant.
Coding change: c.2291C>T on transcript NM_020822.3 (MANE Select); coding-DNA position 2291, C replaced by T.
Protein change: p.Pro764Leu; replaces proline 764 with leucine.
Molecular consequence: missense variant.
Genome position (GRCh38, 1-based): chr9:135,775,357, C>T. VCF-style: chr9-135775357-C-T. GRCh37 (hg19) VCF-style: chr9-138667203-C-T.
Other names: c.2156C>T, p.Pro719Leu (NM_001272003.2); short protein forms P764L, P719L.
Identifiers: ClinVar variation 937096 (VCV000937096.10), dbSNP rs1833087099, ClinGen allele CA375512258.